The following is an entry in ClinVar:

ClinVar aggregate classification (germline): Pathogenic. Review status: reviewed by expert panel (3 of 4 stars). 15 submissions from 15 submitters: Pathogenic (1). 14 of the submissions do not count toward it. Last evaluated 2022-03-08.

Conditions:
ACADVL-related disorder. Also called: ACADVL-related condition.
Very long chain acyl-CoA dehydrogenase deficiency (ACADVLD). Also called: Very Long-Chain Acyl-Coenzyme A Dehydrogenase Deficiency; VLCAD Deficiency. Identifiers: Orphanet 26793, MedGen C3887523, MONDO:0008723, OMIM 201475.

Submissions (15):

ClinGen ACADVL Variant Curation Expert Panel, ClinGen
Classification: Pathogenic for Very long chain acyl-CoA dehydrogenase deficiency. Last evaluated: 2022-03-08. Review status: reviewed by expert panel. Criteria: clingen acadvl acmg specifications v1. Collection method: curation. Allele origin: germline. Inheritance: Autosomal recessive inheritance.
Comment: The c.298_299del p.(Gln100Valfs*3) variant in ACADVL is a deletion variant leading to a frameshift and is predicted to cause a premature stop codon in biologically-relevant-exon 5/20 leading to nonsense mediated decay in a gene in which loss-of-function is an established disease mechanism (PVS1; PMIDs 9973285, 11590124). The variant has been identified in at least one individual with assertions of being clinically affected and follow-up plasma acylcarnitine analysis is consistent for very long chain acyl CoA dehydrogenase (VLCAD) deficiency without an additional ACADVL variant identified (PMID: 9973285). Reduced protein expression was reported in a heterozygous individual's cultured fibroblasts; RNA studies was not performed. However, this variant was not assessed in a non-patient derived cell line (PS3 at any strength is not met; PMID: 9973285). PM2_Supporting is met. This variant is absent from gnomAD v2.1.1 (PM2_Supporting). In summary, this variant meets the criteria to be classified as Pathogenic for autosomal recessive very long chain acyl-CoA dehydrogenase (VLCAD) deficiency based on the ACMG/AMP criteria applied, as specified by the ClinGen ACADVL Variant Curation Expert Panel: PVS1. PP4, PM2_Supporting (ClinGen ACADVL VCEP specifications version2.0; date of approval: 02-08-2022)

GeneDx
Classification: Likely pathogenic. Last evaluated: 2026-02-06. Review status: criteria provided, single submitter. Criteria: GeneDx Variant Classification Process June 2021. Collection method: clinical testing. Allele origin: germline. Not counted in ClinVar's aggregate classification.
Comment: Reported in probands with clinical features suggestive of or consistent with an ACADVL-related disorder in the published literature (PMID: 38582244, 31794763, 35571021); Frameshift variant predicted to result in protein truncation or nonsense mediated decay in a gene for which loss of function is a known mechanism of disease; Not observed at significant frequency in large population cohorts (gnomAD); This variant is associated with the following publications: (PMID: 9973285, 38582244, 31794763, 35571021, 11590124)

Labcorp Genetics (formerly Invitae), Labcorp
Classification: Pathogenic for Very long chain acyl-CoA dehydrogenase deficiency. Last evaluated: 2025-04-27. Review status: criteria provided, single submitter. Criteria: Invitae Variant Classification Sherloc (09022015). Collection method: clinical testing. Allele origin: germline. Not counted in ClinVar's aggregate classification.
Comment: This sequence change creates a premature translational stop signal (p.Gln100Valfs*3) in the ACADVL gene. It is expected to result in an absent or disrupted protein product. Loss-of-function variants in ACADVL are known to be pathogenic (PMID: 9973285, 11590124). This variant is not present in population databases (gnomAD no frequency). This premature translational stop signal has been observed in individual(s) with very-long-chain acyl-CoA dehydrogenase deficiency (PMID: 9973285). This variant is also known as c.296_297del. ClinVar contains an entry for this variant (Variation ID: 189116). For these reasons, this variant has been classified as Pathogenic.

Blueprint Genetics
Classification: Pathogenic for ACADVL-related disorders. Last evaluated: 2024-07-04. Review status: criteria provided, single submitter. Criteria: ACMG Guidelines, 2015. Collection method: clinical testing. Allele origin: germline. Affected: yes. Observed: 1 variant allele. Not counted in ClinVar's aggregate classification.

Natera, Inc.
Classification: Pathogenic for Very long chain acyl-CoA dehydrogenase deficiency. Last evaluated: 2024-06-20. Review status: criteria provided, single submitter. Criteria: Natera Variant Classification Schema (03/2026). Collection method: clinical testing. Allele origin: germline. Not counted in ClinVar's aggregate classification.
Comment: The c.298_299delCA variant in ACADVL is a frameshift variant predicted to shift the reading frame beginning at codon 100 and leads to a stop codon 3 codons downstream. This variant is expected to result in nonsense mediated decay, truncation, or a dysfunctional protein product. This variant is rare in the general population with a frequency below the threshold expected for the associated phenotype(s). This variant has been observed in one or more individuals affected with the associated recessive disease, as either homozygous or compound heterozygous with a second variant (PMID: 24801231). Given the available evidence, this variant is classified as Pathogenic.

Fulgent Genetics
Classification: Pathogenic for Very long chain acyl-CoA dehydrogenase deficiency. Last evaluated: 2024-04-22. Review status: criteria provided, single submitter. Criteria: ACMG Guidelines, 2015. Collection method: clinical testing. Allele origin: germline. Not counted in ClinVar's aggregate classification.

Baylor Genetics
Classification: Pathogenic for Very long chain acyl-CoA dehydrogenase deficiency. Last evaluated: 2024-03-25. Review status: criteria provided, single submitter. Criteria: ACMG Guidelines, 2015. Collection method: clinical testing. Allele origin: unknown. Not counted in ClinVar's aggregate classification.

Department of Human Genetics, Hannover Medical School
Classification: Pathogenic for Very long chain acyl-CoA dehydrogenase deficiency. Last evaluated: 2023-05-08. Review status: criteria provided, single submitter. Criteria: ACMG Guidelines, 2015. Collection method: clinical testing. Allele origin: germline. Inheritance: Autosomal recessive inheritance. Affected: yes. Not counted in ClinVar's aggregate classification.

Mayo Clinic Laboratories, Mayo Clinic
Classification: Pathogenic. Last evaluated: 2023-02-27. Review status: criteria provided, single submitter. Criteria: ACMG Guidelines, 2015. Collection method: clinical testing. Allele origin: germline. Observed: 1 variant allele. Not counted in ClinVar's aggregate classification.
Comment: PP4, PM2_supporting, PVS1

Women's Health and Genetics/Laboratory Corporation of America, LabCorp
Classification: Pathogenic for Very long chain acyl-CoA dehydrogenase deficiency. Last evaluated: 2023-02-13. Review status: criteria provided, single submitter. Criteria: LabCorp Variant Classification Summary - May 2015. Collection method: clinical testing. Allele origin: germline. Not counted in ClinVar's aggregate classification.
Comment: Variant summary: ACADVL c.298_299delCA (p.Gln100ValfsX3) results in a premature termination codon, predicted to cause a truncation of the encoded protein or absence of the protein due to nonsense mediated decay, which are commonly known mechanisms for disease. Truncations downstream of this position have been classified as pathogenic by our laboratory. The variant was absent in 251466 control chromosomes. c.298_299delCA has been reported in the literature in individuals affected with Very Long Chain Acyl-CoA Dehydrogenase Deficiency (Andresen_1999, Zhang_2021, Zhang_2014, Li_2020). These data indicate that the variant is likely to be associated with disease. To our knowledge, no experimental evidence demonstrating an impact on protein function has been reported. Three clinical diagnostic laboratories have submitted clinical-significance assessments for this variant to ClinVar after 2014 without evidence for independent evaluation. All laboratories classified the variant as pathogenic/likely pathogenic. Based on the evidence outlined above, the variant was classified as pathogenic.

ARUP Laboratories, Molecular Genetics and Genomics, ARUP Laboratories
Classification: Pathogenic for Very long chain acyl-CoA dehydrogenase deficiency. Last evaluated: 2022-12-16. Review status: criteria provided, single submitter. Criteria: ARUP Molecular Germline Variant Investigation Process 2024. Collection method: clinical testing. Allele origin: germline. Not counted in ClinVar's aggregate classification.
Comment: The ACADVL c.298_299delCA; p.Gln100ValfsTer3 variant (rs786204713), also published as del296-97, is reported in the literature in an individual affected with VLCAD deficiency (Andresen 1999). This variant is absent from general population databases (Exome Variant Server, Genome Aggregation Database), indicating it is not a common polymorphism. This variant causes a frameshift by deleting two nucleotides, so it is predicted to result in a truncated protein or mRNA subject to nonsense-mediated decay. Based on available information, this variant is considered to be pathogenic. References: Andresen BS et al. Clear correlation of genotype with disease phenotype in very-long-chain acyl-CoA dehydrogenase deficiency. Am J Hum Genet. 1999 Feb;64(2):479-94. PMID: 9973285.

Eurofins Ntd Llc (ga)
Classification: Pathogenic. Last evaluated: 2014-09-08. Review status: criteria provided, single submitter. Criteria: EGL Classification Definitions 2015. Collection method: clinical testing. Allele origin: germline. Observed: 1 variant allele, 1 heterozygote. Not counted in ClinVar's aggregate classification.

Juno Genomics, Hangzhou Juno Genomics, Inc
Classification: Pathogenic for Very long chain acyl-CoA dehydrogenase deficiency. Review status: criteria provided, single submitter. Criteria: ACMG Guidelines, 2015. Collection method: clinical testing. Allele origin: germline. Not counted in ClinVar's aggregate classification.
Comment: Null variant in a gene where loss of function (LOF) is a known mechanism of disease.;Absent from controls (or at extremely low frequency if recessive) in Genome Aggregation Database.;Patient's phenotype or family history is highly specific for a disease with a single genetic etiology.

PreventionGenetics, part of Exact Sciences
Classification: Pathogenic for ACADVL-related condition. Last evaluated: 2024-09-09. Review status: no assertion criteria provided. Collection method: clinical testing. Allele origin: germline. Not counted in ClinVar's aggregate classification.
Comment: The ACADVL c.298_299delCA variant is predicted to result in a frameshift and premature protein termination (p.Gln100Valfs*3). This variant has been reported in multiple unrelated individuals with very long chain acyl-CoA dehydrogenase deficiency (Andresen et al. 1999. PubMed ID: 9973285; Zhang et al. 2014. PubMed ID: 24801231; Zhang et al. 2021. PubMed ID: 33514801). This variant has not been reported in a large population database, indicating this variant is rare and this variant has been classified as pathogenic/likely pathogenic in ClinVar. Frameshift variants in ACADVL are expected to be pathogenic. This variant is interpreted as pathogenic.

Counsyl
Classification: Likely pathogenic for Very long chain acyl-CoA dehydrogenase deficiency. Last evaluated: 2015-01-06. Review status: no assertion criteria provided. Collection method: literature only. Allele origin: unknown. Inheritance: Autosomal recessive inheritance. Not counted in ClinVar's aggregate classification.

Literature cited by the submitters: PubMed 9973285 (cited by 5 submitters); PubMed 11590124 (cited by Labcorp Genetics (formerly Invitae), Labcorp); PubMed 24801231 (cited by Natera, Inc. and Women's Health and Genetics/Laboratory Corporation of America, LabCorp); PubMed 35571021 (cited by Mayo Clinic Laboratories, Mayo Clinic); PubMed 33514801 (cited by Women's Health and Genetics/Laboratory Corporation of America, LabCorp); PubMed 31794763 (cited by Women's Health and Genetics/Laboratory Corporation of America, LabCorp).

NM_000018.4(ACADVL):c.298_299del (p.Gln100fs)

Gene: ACADVL (acyl-CoA dehydrogenase very long chain; plus strand). Cytogenetic location: 17p13.1.
Variant type: Microsatellite.
Coding change: c.298_299del on transcript NM_000018.4 (MANE Select); coding-DNA positions 298 to 299, 2 bases deleted (CA; older notation c.298_299delCA).
Protein change: p.Gln100fs; shifts the reading frame from glutamine 100.
Molecular consequence: frameshift variant.
Genome position (GRCh38, 1-based): chr17:7,220,786-7,220,787, CA deleted; deleting any 2 consecutive bases within chr17:7,220,783-7,220,787 gives the same sequence; the c. name uses the placement nearest the transcript's 3' end. VCF-style (leftmost placement, unchanged base first): chr17-7220782-GAC-G. GRCh37 (hg19) VCF-style: chr17-7124101-GAC-G.
Other names: NM_000018.4(ACADVL):c.298_299del; p.Gln100fs; p.Gln100Valfs*3; c.298_299del (NM_000018.3, NM_000018.2); c.232_233del, p.Gln78fs (NM_001033859.3); c.367_368del, p.Gln123fs (NM_001270447.2); c.70_71del, p.Gln24fs (NM_001270448.2); short protein forms Q123fs, Q24fs, Q100fs, Q78fs.
Identifiers: ClinVar variation 189116 (VCV000189116.29), dbSNP rs786204713, ClinGen allele CA274395.